The following is an entry in ClinVar:

ClinVar aggregate classification (germline): Likely pathogenic. Review status: criteria provided, multiple submitters, no conflicts (2 of 4 stars). 2 submissions from 2 submitters: Likely pathogenic (2). Last evaluated 2026-01-17.

Allele frequency attached by ClinVar (database versions not stated): ExAC 0.00008; ESP Exome Variant Server 0.00015; TOPMed 0.00015; gnomAD 0.00016 and 0.00017.
gnomAD v4.1: 430 of 1,574,704 alleles (0.027%); highest among the groups gnomAD compares: Non-Finnish European, 0.035%; no homozygotes.

Submissions (2):

Labcorp Genetics (formerly Invitae), Labcorp
Classification: Likely pathogenic. Last evaluated: 2026-01-17. Review status: criteria provided, single submitter. Criteria: Invitae Variant Classification Sherloc (09022015). Collection method: clinical testing. Allele origin: germline.
Comment: This sequence change replaces aspartic acid, which is acidic and polar, with valine, which is neutral and non-polar, at codon 536 of the SI protein (p.Asp536Val). This variant is present in population databases (rs376816463, gnomAD 0.03%). This missense change has been observed in individual(s) with clinical features of sucrase-isomaltase deficiency and/or congenital sucrase-isomaltase deficiency (PMID: 28062276, 32732636). ClinVar contains an entry for this variant (Variation ID: 1509117). Invitae Evidence Modeling of protein sequence and biophysical properties (such as structural, functional, and spatial information, amino acid conservation, physicochemical variation, residue mobility, and thermodynamic stability) indicates that this missense variant is expected to disrupt SI protein function with a positive predictive value of 95%. In summary, the currently available evidence indicates that the variant is pathogenic, but additional data are needed to prove that conclusively. Therefore, this variant has been classified as Likely Pathogenic.

GeneDx
Classification: Likely pathogenic. Last evaluated: 2025-07-11. Review status: criteria provided, single submitter. Criteria: GeneDx Variant Classification Process June 2021. Collection method: clinical testing. Allele origin: germline. Affected: yes.
Comment: Published functional studies demonstrate a damaging effect with loss of isomaltase activity and partial loss of sucrase activity (PMID: 28062276); In silico analysis supports that this missense variant has a deleterious effect on protein structure/function; This variant is associated with the following publications: (PMID: 32732636, 28062276)

Literature cited by the submitters: PubMed 28062276 (cited by Labcorp Genetics (formerly Invitae), Labcorp); PubMed 32732636 (cited by Labcorp Genetics (formerly Invitae), Labcorp).

NM_001041.4(SI):c.1607A>T (p.Asp536Val)

Gene: SI (sucrase-isomaltase; minus strand). Cytogenetic location: 3q26.1.
Variant type: single nucleotide variant.
Coding change: c.1607A>T on transcript NM_001041.4 (MANE Select); coding-DNA position 1607, A replaced by T.
Protein change: p.Asp536Val; replaces aspartic acid 536 with valine.
Molecular consequence: missense variant.
Genome position (GRCh38, 1-based): chr3:165,049,235, T>A on the plus strand (A>T on the coding strand, the complement: SI is on the minus strand). VCF-style: chr3-165049235-T-A. GRCh37 (hg19) VCF-style: chr3-164767023-T-A.
Other names: c.1607A>T (NM_001041.3); short protein forms D536V.
Identifiers: ClinVar variation 1509117 (VCV001509117.8), dbSNP rs376816463, ClinGen allele CA2691004.